The following is an entry in ClinVar:

ClinVar aggregate classification (germline): Likely benign. Review status: criteria provided, single submitter (1 of 4 stars). 2 submissions from 2 submitters: Likely benign (1). 1 of the submissions does not count toward it. Last evaluated 2022-03-16.

Conditions:
HLTF-related disorder. Also called: HLTF-related condition.

Allele frequency attached by ClinVar (database versions not stated): 1000 Genomes Project 30x 0.00016; 1000 Genomes Project 0.00020; TOPMed 0.00023; ESP Exome Variant Server 0.00031; gnomAD 0.00038; gnomAD exomes 0.00046; ExAC 0.00079.
gnomAD v4.1: 725 of 1,613,124 alleles (0.045%); highest among the groups gnomAD compares: South Asian, 0.094%; 5 homozygotes.

Submissions (2):

Ambry Genetics
Classification: Likely benign. Last evaluated: 2022-03-16. Review status: criteria provided, single submitter. Criteria: Ambry Variant Classification Scheme 2023. Collection method: clinical testing. Allele origin: germline.

PreventionGenetics, part of Exact Sciences
Classification: Likely benign for HLTF-related condition. Last evaluated: 2021-06-08. Review status: no assertion criteria provided. Collection method: clinical testing. Allele origin: germline. Not counted in ClinVar's aggregate classification.
Comment: This variant is classified as likely benign based on ACMG/AMP sequence variant interpretation guidelines (Richards et al. 2015 PMID: 25741868, with internal and published modifications).

NM_003071.4(HLTF):c.2186A>G (p.Asn729Ser)

Gene: HLTF (helicase like transcription factor; minus strand). Cytogenetic location: 3q24.
Variant type: single nucleotide variant.
Coding change: c.2186A>G on transcript NM_003071.4 (MANE Select); coding-DNA position 2186, A replaced by G.
Protein change: p.Asn729Ser; replaces asparagine 729 with serine.
Molecular consequence: missense variant.
Genome position (GRCh38, 1-based): chr3:149,042,177, T>C on the plus strand (A>G on the coding strand, the complement: HLTF is on the minus strand). VCF-style: chr3-149042177-T-C. GRCh37 (hg19) VCF-style: chr3-148759964-T-C.
Other names: c.2183A>G, p.Asn728Ser (NM_001318934.2); c.2186A>G, p.Asn729Ser (NM_001318935.2, NM_139048.3); c.2186A>G (NM_001318935.1); short protein forms N728S, N729S.
Identifiers: ClinVar variation 2381994 (VCV002381994.4), dbSNP rs138717471, ClinGen allele CA2658999.